The following is an entry in ClinVar:

NM_014967.5(FAN1):c.1820C>G (p.Ala607Gly)

Gene: FAN1 (FANCD2 and FANCI associated nuclease 1; plus strand). Cytogenetic location: 15q13.3.
Variant type: single nucleotide variant.
Coding change: c.1820C>G on transcript NM_014967.5 (MANE Select); coding-DNA position 1820, C replaced by G.
Protein change: p.Ala607Gly; replaces alanine 607 with glycine.
Molecular consequence: missense variant.
Genome position (GRCh38, 1-based): chr15:30,918,172, C>G. VCF-style: chr15-30918172-C-G. GRCh37 (hg19) VCF-style: chr15-31210375-C-G.
Other names: short protein forms A607G.
Identifiers: ClinVar variation 2633119 (VCV002633119.1), dbSNP rs2542651914, ClinGen allele CA391511855.

ClinVar aggregate classification (germline): Uncertain significance (1 of 4 stars; one submission).

Conditions:
FAN1-related disorder. Also called: FAN1-related condition.

Submission:

PreventionGenetics, part of Exact Sciences
Classification: Uncertain significance for FAN1-related condition. Last evaluated: 2023-05-02. Review status: criteria provided, single submitter. Criteria: ACMG Guidelines, 2015. Collection method: clinical testing. Allele origin: germline.
Comment: The FAN1 c.1820C>G variant is predicted to result in the amino acid substitution p.Ala607Gly. To our knowledge, this variant has not been reported in the literature or in a large population database, indicating this variant is rare. At this time, the clinical significance of this variant is uncertain due to the absence of conclusive functional and genetic evidence.